The following is an entry in ClinVar:

NM_006182.4(DDR2):c.2003G>A (p.Arg668His)

Gene: DDR2 (discoidin domain receptor tyrosine kinase 2; plus strand). Cytogenetic location: 1q23.3.
Variant type: single nucleotide variant.
Coding change: c.2003G>A on transcript NM_006182.4 (MANE Select); coding-DNA position 2003, G replaced by A.
Protein change: p.Arg668His; replaces arginine 668 with histidine.
Molecular consequence: missense variant.
Genome position (GRCh38, 1-based): chr1:162,775,798, G>A. VCF-style: chr1-162775798-G-A. GRCh37 (hg19) VCF-style: chr1-162745588-G-A.
Other names: c.2003G>A, p.Arg668His (NM_001014796.3, NM_001354982.2, NM_001354983.2); short protein forms R668H.
Identifiers: ClinVar variation 876650 (VCV000876650.5), dbSNP rs754868982, ClinGen allele CA1217680.
Genomic context (GRCh38, chr1:162,775,798, plus strand): 5'-ACCCTCTCTGTATGATCACTGAATACATGGAGAATGGAGATCTCAATCAGTTTCTTTCCC[G>A]CCACGAGCCCCCTAATTCTTCCTCCAGCGATGTACGCACTGTCAGGTAAACAAGCCAGGT-3'
Protein context (NP_006173.2, residues 658-678): ENGDLNQFLS[Arg668His]HEPPNSSSSD

ClinVar aggregate classification (germline): Uncertain significance. Review status: criteria provided, multiple submitters, no conflicts (2 of 4 stars). 2 submissions from 2 submitters: Uncertain significance (2). Last evaluated 2025-12-18.

Conditions:
Spondyloepimetaphyseal dysplasia-short limb-abnormal calcification syndrome (SMED-SL). Also called: SMED, TYPE II; SMED-SL/AC; Spondylometaepiphyseal dysplasia, short limb-hand type; SMED short limb-hand type; SMED type 2; Spondylometaepiphyseal dysplasia short limb-abnormal calcification type. Identifiers: Orphanet 93358, MedGen C1849011, MONDO:0010077, OMIM 271665.

Allele frequency attached by ClinVar (database versions not stated): ExAC 0.00004; gnomAD exomes 0.00005.
gnomAD v4.1: 53 of 1,613,762 alleles (0.0033%); highest among the groups gnomAD compares: Middle Eastern, 0.016%; no homozygotes.

Submissions (2):

Labcorp Genetics (formerly Invitae), Labcorp
Classification: Uncertain significance. Last evaluated: 2025-12-18. Review status: criteria provided, single submitter. Criteria: Invitae Variant Classification Sherloc (09022015). Collection method: clinical testing. Allele origin: germline.
Comment: This sequence change replaces arginine, which is basic and polar, with histidine, which is basic and polar, at codon 668 of the DDR2 protein (p.Arg668His). The frequency data for this variant in the population databases is considered unreliable, as metrics indicate poor data quality at this position in the gnomAD database. This variant has not been reported in the literature in individuals affected with DDR2-related conditions. ClinVar contains an entry for this variant (Variation ID: 876650). An algorithm developed to predict the effect of missense changes on protein structure and function (PolyPhen-2) suggests that this variant is likely to be tolerated. In summary, the available evidence is currently insufficient to determine the role of this variant in disease. Therefore, it has been classified as a Variant of Uncertain Significance.

Illumina Laboratory Services, Illumina
Classification: Uncertain significance for Spondyloepimetaphyseal dysplasia-short limb-abnormal calcification syndrome. Last evaluated: 2018-01-13. Review status: criteria provided, single submitter. Criteria: ICSL Variant Classification Criteria 13 December 2019. Collection method: clinical testing. Allele origin: germline.